The following is an entry in ClinVar:

ClinVar aggregate classification (germline): Uncertain significance. Review status: criteria provided, multiple submitters, no conflicts (2 of 4 stars). 3 submissions from 3 submitters: Uncertain significance (3). Last evaluated 2025-06-11.

Allele frequency attached by ClinVar (database versions not stated): gnomAD exomes below 0.00001 and 0.00001; gnomAD 0.00002; TOPMed 0.00002.
gnomAD v4.1: 11 of 1,595,220 alleles (0.00069%); highest among the groups gnomAD compares: African/African-American, 0.0013%; no homozygotes.

Submissions (3):

Women's Health and Genetics/Laboratory Corporation of America, LabCorp
Classification: Uncertain significance. Last evaluated: 2025-06-11. Review status: criteria provided, single submitter. Criteria: LabCorp Variant Classification Summary - May 2015. Collection method: clinical testing. Allele origin: germline.
Comment: Variant summary: ADGRV1 c.4928A>G (p.Glu1643Gly) results in a non-conservative amino acid change in the encoded protein sequence near a canonical splice site. Algorithms developed to predict the effect of missense changes on protein structure and function are either unavailable or do not agree on the potential impact of this missense change. Several computational tools predict a significant impact on normal splicing: One predict the variant abolishes a 5' splicing donor site. Two predict the variant weakens a 5' donor site. However, these predictions have yet to be confirmed by functional studies. The variant allele was found at a frequency of 4.2e-06 in 239670 control chromosomes. The available data on variant occurrences in the general population are insufficient to allow any conclusion about variant significance. To our knowledge, no occurrence of c.4928A>G in individuals affected with Usher Syndrome and no experimental evidence demonstrating its impact on protein function have been reported. ClinVar contains an entry for this variant (Variation ID: 1373717). Based on the evidence outlined above, the variant was classified as uncertain significance.

Blueprint Genetics
Classification: Uncertain significance. Last evaluated: 2021-11-09. Review status: criteria provided, single submitter. Criteria: ACMG Guidelines, 2015. Collection method: clinical testing. Allele origin: germline.

Labcorp Genetics (formerly Invitae), Labcorp
Classification: Uncertain significance. Last evaluated: 2021-08-26. Review status: criteria provided, single submitter. Criteria: Invitae Variant Classification Sherloc (09022015). Collection method: clinical testing. Allele origin: germline.
Comment: This sequence change replaces glutamic acid with glycine at codon 1643 of the ADGRV1 protein (p.Glu1643Gly). The glutamic acid residue is moderately conserved and there is a moderate physicochemical difference between glutamic acid and glycine. This variant is not present in population databases (ExAC no frequency). This variant has not been reported in the literature in individuals affected with ADGRV1-related conditions. Algorithms developed to predict the effect of missense changes on protein structure and function are either unavailable or do not agree on the potential impact of this missense change (SIFT: "Deleterious"; PolyPhen-2: "Probably Damaging"; Align-GVGD: "Class C0"). Algorithms developed to predict the effect of sequence changes on RNA splicing suggest that this variant may disrupt the consensus splice site. In summary, the available evidence is currently insufficient to determine the role of this variant in disease. Therefore, it has been classified as a Variant of Uncertain Significance.

NM_032119.4(ADGRV1):c.4928A>G (p.Glu1643Gly)

Gene: ADGRV1 (adhesion G protein-coupled receptor V1; plus strand). Cytogenetic location: 5q14.3.
Variant type: single nucleotide variant.
Coding change: c.4928A>G on transcript NM_032119.4 (MANE Select); coding-DNA position 4928, A replaced by G.
Protein change: p.Glu1643Gly; replaces glutamic acid 1643 with glycine.
Molecular consequence: missense variant. On other transcripts: non-coding transcript variant (1).
Genome position (GRCh38, 1-based): chr5:90,672,721, A>G. VCF-style: chr5-90672721-A-G. GRCh37 (hg19) VCF-style: chr5-89968538-A-G.
Other names: short protein forms E1643G.
Identifiers: ClinVar variation 1373717 (VCV001373717.7), dbSNP rs1376246763, ClinGen allele CA360407274.